The following is an entry in ClinVar:

NM_016333.4(SRRM2):c.1888C>T (p.Pro630Ser)

Gene: SRRM2 (serine/arginine repetitive matrix 2; plus strand). Cytogenetic location: 16p13.3.
Variant type: single nucleotide variant.
Coding change: c.1888C>T on transcript NM_016333.4 (MANE Select); coding-DNA position 1888, C replaced by T.
Protein change: p.Pro630Ser; replaces proline 630 with serine.
Molecular consequence: missense variant.
Genome position (GRCh38, 1-based): chr16:2,762,416, C>T. VCF-style: chr16-2762416-C-T. GRCh37 (hg19) VCF-style: chr16-2812417-C-T.
Other names: short protein forms P630S.
Identifiers: ClinVar variation 2498644 (VCV002498644.28), dbSNP rs2068385683, ClinGen allele CA394410199.

ClinVar aggregate classification (germline): Uncertain significance (1 of 4 stars; one submission).

Submission:

CeGaT Center for Human Genetics Tuebingen
Classification: Uncertain significance. Last evaluated: 2023-03-01. Review status: criteria provided, single submitter. Criteria: CeGaT Center For Human Genetics Tuebingen Variant Classification Criteria Version 2. Collection method: clinical testing. Allele origin: germline. Affected: yes. Observed: 1 variant allele.
Comment: SRRM2: PM2